The following is an entry in ClinVar:

NM_017617.5(NOTCH1):c.1981G>A (p.Gly661Ser)

Gene: NOTCH1 (notch receptor 1; minus strand). Cytogenetic location: 9q34.3.
Variant type: single nucleotide variant.
Coding change: c.1981G>A on transcript NM_017617.5 (MANE Select); coding-DNA position 1981, G replaced by A.
Protein change: p.Gly661Ser; replaces glycine 661 with serine.
Molecular consequence: missense variant.
Genome position (GRCh38, 1-based): chr9:136,515,323, C>T on the plus strand (G>A on the coding strand, the complement: NOTCH1 is on the minus strand). VCF-style: chr9-136515323-C-T. GRCh37 (hg19) VCF-style: chr9-139409775-C-T.
Other names: p.Gly661Ser; c.1981G>A (NM_017617.4); c.1981G>A, p.Gly661Ser (LRG_1122t1); short protein forms G661S.
Identifiers: ClinVar variation 264541 (VCV000264541.75), dbSNP rs201077220, ClinGen allele CA5341549.

ClinVar aggregate classification (germline): Conflicting classifications of pathogenicity. Review status: criteria provided, conflicting classifications (1 of 4 stars). 12 submissions from 12 submitters: Uncertain significance (3); Likely benign (5). 4 of the submissions do not count toward it. Last evaluated 2026-09-09.

Conditions:
Adams-Oliver syndrome 2 (AOS2). Identifiers: Orphanet 974, MedGen C3280182, MONDO:0013635, OMIM 614219.
Aortic valve disorder (AOVD1). Also called: AORTIC VALVE DISEASE. Identifiers: MedGen C1260873, MONDO:0003803.
NOTCH1-related disorder. Also called: NOTCH1-related disorders; NOTCH1-related condition.
Adams-Oliver syndrome 5 (AOS5). Identifiers: Orphanet 974, MedGen C4014970, MONDO:0014459, OMIM 616028.
Familial thoracic aortic aneurysm and aortic dissection (TAAD). Also called: Thoracic aortic aneurysms and dissections. Identifiers: Orphanet 91387, MedGen C4707243, MONDO:0019625.
Pulmonary arterial hypertension. Identifiers: Orphanet 182090, MedGen C2973725, MeSH D000081029, MONDO:0015924, HP:0002092.
Aortic valve disease 1 (AOVD1). Identifiers: MedGen C3887892, MONDO:0024523, OMIM 109730.

Allele frequency attached by ClinVar (database versions not stated): gnomAD 0.00034 and 0.00035; TOPMed 0.00037; ExAC 0.00038; gnomAD exomes 0.00038 and 0.00057; ESP Exome Variant Server 0.00039; 1000 Genomes Project 0.00040; 1000 Genomes Project 30x 0.00047.
gnomAD v4.1: 893 of 1,613,026 alleles (0.055%); highest among the groups gnomAD compares: Non-Finnish European, 0.069%; 2 homozygotes.

Submissions (12):

GeneDx
Classification: Uncertain significance. Last evaluated: 2026-09-09. Review status: criteria provided, single submitter. Criteria: GeneDx Variant Classification Process June 2021. Collection method: clinical testing. Allele origin: germline.
Comment: Published functional studies suggest that this variant is associated with reduced ligand-induced Notch1 signaling, possibly due to reduced cell surface expression; however, a specific mechanism was not established and it is not known whether the experimental conditions represent the physiologic effect of the variant in vivo (PMID: 20951801, 18593716); In silico analysis suggests that this missense variant does not alter protein structure/function; This variant is associated with the following publications: (PMID: 20981092, 26164125, 21563298, 18593716, 32165302, 36599283, 30582441, 20951801, 29641532)

PreventionGenetics, part of Exact Sciences
Classification: Likely benign for NOTCH1-related condition. Last evaluated: 2026-08-04. Review status: criteria provided, single submitter. Criteria: ACMG Guidelines, 2015. Collection method: clinical testing. Allele origin: germline.
Comment: This variant is classified as likely benign based on ACMG/AMP sequence variant interpretation guidelines (Richards et al. 2015 PMID: 25741868, with internal and published modifications).

Labcorp Genetics (formerly Invitae), Labcorp
Classification: Likely benign for Adams-Oliver syndrome 5. Last evaluated: 2026-01-19. Review status: criteria provided, single submitter. Criteria: Invitae Variant Classification Sherloc (09022015). Collection method: clinical testing. Allele origin: germline.

ARUP Laboratories, Molecular Genetics and Genomics, ARUP Laboratories
Classification: Likely benign. Last evaluated: 2025-02-24. Review status: criteria provided, single submitter. Criteria: ARUP Molecular Germline Variant Investigation Process 2024. Collection method: clinical testing. Allele origin: germline.

Ambry Genetics
Classification: Uncertain significance for Familial thoracic aortic aneurysm and aortic dissection. Last evaluated: 2025-01-24. Review status: criteria provided, single submitter. Criteria: Ambry Variant Classification Scheme 2023. Collection method: clinical testing. Allele origin: germline.
Comment: The p.G661S variant (also known as c.1981G>A), located in coding exon 12 of the NOTCH1 gene, results from a G to A substitution at nucleotide position 1981. The glycine at codon 661 is replaced by serine, an amino acid with similar properties. Among patients in a cohort with left ventricular outflow tract malformations, this variant was reported in four patients who exhibited bicuspid aortic valve, aortic valve stenosis, coarctation of the aorta, or hypoplastic left heart syndrome, and in all four cases, this variant also was described in an unaffected parent (McBride KL et al, Hum. Mol. Genet. 2008;17(18):2886-93). In the same study, this variant was reported in 1/212 healthy control subjects. Further in vitro functional analysis of this variant demonstrated only slight or no difference compared to wild-type, in surface protein, ligand-activated signaling, trafficking or folding (McBride KL et al, Hum. Mol. Genet. 2008;17(18):2886-93; Riley MF et al. Biochim Biophys Acta. 2011;1812(1):121-9). This amino acid position is well conserved in available vertebrate species. In addition, the in silico prediction for this alteration is inconclusive. Since supporting evidence is limited at this time, the clinical significance of this variant remains unclear.

Blueprint Genetics
Classification: Likely benign. Last evaluated: 2024-05-21. Review status: criteria provided, single submitter. Criteria: ACMG Guidelines, 2015. Collection method: clinical testing. Allele origin: germline.

Mayo Clinic Laboratories, Mayo Clinic
Classification: Uncertain significance. Last evaluated: 2022-07-06. Review status: criteria provided, single submitter. Criteria: ACMG Guidelines, 2015. Collection method: clinical testing. Allele origin: germline. Observed: 13 variant alleles.
Comment: BS1, PP2, PS4_moderate

Victorian Clinical Genetics Services, Murdoch Childrens Research Institute
Classification: Likely benign for Aortic valve disease 1. Last evaluated: 2022-02-02. Review status: criteria provided, single submitter. Criteria: ACMG Guidelines, 2015. Collection method: clinical testing. Allele origin: germline. Inheritance: Autosomal dominant inheritance.
Comment: Based on the classification scheme VCGS_Germline_v1.3.4, this variant is classified as Likely benign. Following criteria are met: 0102 - Loss of function is a known mechanism of disease in this gene and is associated with Adams-Oliver syndrome 5 (MIM#616028) and aortic valve disease 1 (MIM#109730). A gain of function mechanism has also been described, but this is more in association with cancer (OMIM, PMID: 30582441). (I) 0107 - This gene is associated with autosomal dominant disease. (I) 0112 - The condition associated with this gene has incomplete penetrance (PMID: 30582441). (I) 0200 - Variant is predicted to result in a missense amino acid change from glycine to serine. (I) 0251 - This variant is heterozygous. (I) 0302 - Variant is present in gnomAD (v2) <0.001 for a dominant condition (101 heterozygotes, 0 homozygotes). (SP) 0502 - Missense variant with conflicting in silico predictions and uninformative conservation. (I) 0600 - Variant is located in the annotated EGF-like domain (DECIPHER). (I) 0705 - No comparable missense variants have previous evidence for pathogenicity. (I) 0809 - Previous evidence of pathogenicity for this variant is inconclusive. This variant has been reported multiple times as a VUS, and has been observed in at least four individuals with congenital cardiovascular malformations but also within a control cohort (ClinVar, PMID: 18593716). (I) 1010 - Functional evidence for this variant is inconclusive. Transfected NIH3T3 cells demonstrated similar luciferase activity and protein expression to wildtype cells, but a significant decrease in ligand induction. It is unclear if this reduction is enough to induce disease in an in vivo setting (PMID: 18593716). (I) 1208 - Inheritance information for this variant is not currently available in this individual. (I) Legend: (SP) - Supporting pathogenic, (I) - Information, (SB) - Supporting benign

John Welsh Cardiovascular Diagnostic Laboratory, Baylor College of Medicine
Classification: Likely benign for Pulmonary arterial hypertension. Last evaluated: 2022-09-26. Review status: no assertion criteria provided. Criteria: ACMG Guidelines, 2015. Collection method: clinical testing. Allele origin: germline. Not counted in ClinVar's aggregate classification.

Clinical Genetics DNA and cytogenetics Diagnostics Lab, Erasmus MC, Erasmus Medical Center
Classification: Uncertain significance. Review status: no assertion criteria provided. Collection method: clinical testing. Allele origin: germline. Affected: yes. Study: VKGL Data-share Consensus. Not counted in ClinVar's aggregate classification.

Genome Diagnostics Laboratory, University Medical Center Utrecht
Classification: Uncertain significance. Review status: no assertion criteria provided. Collection method: clinical testing. Allele origin: germline. Affected: yes. Study: VKGL Data-share Consensus. Not counted in ClinVar's aggregate classification.

Joint Genome Diagnostic Labs from Nijmegen and Maastricht, Radboudumc and MUMC+
Classification: Uncertain significance. Review status: no assertion criteria provided. Collection method: clinical testing. Allele origin: germline. Affected: yes. Study: VKGL Data-share Consensus. Not counted in ClinVar's aggregate classification.

Literature cited by the submitters: PubMed 18593716 (cited by 3 submitters); PubMed 20981092 (cited by Ambry Genetics); PubMed 29641532 (cited by Ambry Genetics); PubMed 20951801 (cited by Mayo Clinic Laboratories, Mayo Clinic); PubMed 30582441 (cited by Victorian Clinical Genetics Services, Murdoch Childrens Research Institute).